The following is an entry in ClinVar:

ClinVar aggregate classification (germline): Likely pathogenic (1 of 4 stars; one submission).

Submission:

Labcorp Genetics (formerly Invitae), Labcorp
Classification: Likely pathogenic. Last evaluated: 2023-05-23. Review status: criteria provided, single submitter. Criteria: Invitae Variant Classification Sherloc (09022015). Collection method: clinical testing. Allele origin: unknown.
Comment: In summary, the currently available evidence indicates that the variant is pathogenic, but additional data are needed to prove that conclusively. Therefore, this variant has been classified as Likely Pathogenic. This variant has not been reported in the literature in individuals affected with NPHS1-related conditions. This variant results in the deletion of exons 23-25 and part of exon 26 (c.3109+1566_3315delinsACTCGGTCA) of the NPHS1 gene. It is expected to disrupt RNA splicing. Variants that disrupt the donor or acceptor splice site typically lead to a loss of protein function (PMID: 16199547), and loss-of-function variants in NPHS1 are known to be pathogenic (PMID: 11317351, 11854170, 12039988).

Literature cited by the submitters: PubMed 16199547; PubMed 11317351; PubMed 11854170; PubMed 12039988.

NC_000019.9:g.(?_36322270)_(36328573_?)del

Gene: NPHS1 (NPHS1 adhesion molecule, nephrin; minus strand). Cytogenetic location: 19q13.12.
Variant type: Deletion.
Identifiers: ClinVar variation 3242681 (VCV003242681.1).